The following is an entry in ClinVar:

NM_000093.5(COL5A1):c.4157C>T (p.Ser1386Leu)

Gene: COL5A1 (collagen type V alpha 1 chain; plus strand). Cytogenetic location: 9q34.3.
Variant type: single nucleotide variant.
Coding change: c.4157C>T on transcript NM_000093.5 (MANE Select); coding-DNA position 4157, C replaced by T.
Protein change: p.Ser1386Leu; replaces serine 1386 with leucine.
Molecular consequence: missense variant.
Genome position (GRCh38, 1-based): chr9:134,817,060, C>T. VCF-style: chr9-134817060-C-T. GRCh37 (hg19) VCF-style: chr9-137708906-C-T.
Other names: c.4157C>T, p.Ser1386Leu (NM_001278074.1); short protein forms S1386L.
Identifiers: ClinVar variation 1002189 (VCV001002189.12), dbSNP rs141605663, ClinGen allele CA5320157.

ClinVar aggregate classification (germline): Conflicting classifications of pathogenicity. Review status: criteria provided, conflicting classifications (1 of 4 stars). 2 submissions from 2 submitters: Uncertain significance (1); Benign (1). Last evaluated 2025-07-03.

Conditions:
Ehlers-Danlos syndrome, classic type, 1 (EDSCL1). Also called: EHLERS-DANLOS SYNDROME, GRAVIS TYPE; EHLERS-DANLOS SYNDROME, SEVERE CLASSIC TYPE; EDS I; Ehlers-Danlos Syndrome, Classic Type, COL5A1-Related; Ehlers-Danlos syndrome, type 1. Identifiers: MedGen C0268335, MONDO:0019567, OMIM 130000.
Familial thoracic aortic aneurysm and aortic dissection (TAAD). Also called: Thoracic aortic aneurysms and dissections. Identifiers: Orphanet 91387, MedGen C4707243, MONDO:0019625.

Allele frequency attached by ClinVar (database versions not stated): ExAC 0.00002; gnomAD exomes 0.00003; TOPMed 0.00008; ESP Exome Variant Server 0.00015; gnomAD 0.00007.
gnomAD v4.1: 33 of 1,613,678 alleles (0.002%); highest among the groups gnomAD compares: African/African-American, 0.019%; no homozygotes.

Submissions (2):

Labcorp Genetics (formerly Invitae), Labcorp
Classification: Benign for Ehlers-Danlos syndrome, classic type, 1. Last evaluated: 2025-07-03. Review status: criteria provided, single submitter. Criteria: Invitae Variant Classification Sherloc (09022015). Collection method: clinical testing. Allele origin: germline.

Ambry Genetics
Classification: Uncertain significance for Familial thoracic aortic aneurysm and aortic dissection. Last evaluated: 2019-08-14. Review status: criteria provided, single submitter. Criteria: Ambry Variant Classification Scheme 2023. Collection method: clinical testing. Allele origin: germline.
Comment: The p.S1386L variant (also known as c.4157C>T), located in coding exon 53 of the COL5A1 gene, results from a C to T substitution at nucleotide position 4157. The serine at codon 1386 is replaced by leucine, an amino acid with dissimilar properties. This amino acid position is not well conserved in available vertebrate species. In addition, the in silico prediction for this alteration is inconclusive. Since supporting evidence is limited at this time, the clinical significance of this alteration remains unclear.